The following is an entry in ClinVar:

NM_003737.4(DCHS1):c.1524C>T (p.Val508=)

Gene: DCHS1 (dachsous cadherin-related 1; minus strand). Cytogenetic location: 11p15.4.
Variant type: single nucleotide variant.
Coding change: c.1524C>T on transcript NM_003737.4 (MANE Select); coding-DNA position 1524, C replaced by T.
Protein change: p.Val508=; no amino-acid change (valine 508 retained).
Molecular consequence: synonymous variant.
Genome position (GRCh38, 1-based): chr11:6,640,090, G>A on the plus strand (C>T on the coding strand, the complement: DCHS1 is on the minus strand). VCF-style: chr11-6640090-G-A. GRCh37 (hg19) VCF-style: chr11-6661321-G-A.
Identifiers: ClinVar variation 731236 (VCV000731236.12), dbSNP rs140183045, ClinGen allele CA5860947.

ClinVar aggregate classification (germline): Benign. Review status: criteria provided, single submitter (1 of 4 stars). 2 submissions from 2 submitters: Benign (1). 1 of the submissions does not count toward it. Last evaluated 2025-12-17.

Conditions:
DCHS1-related disorder. Also called: DCHS1-related condition.

Allele frequency attached by ClinVar (database versions not stated): gnomAD exomes 0.00026 and 0.00064; gnomAD 0.00031 and 0.00036; ESP Exome Variant Server 0.00038; TOPMed 0.00046; ExAC 0.00060; 1000 Genomes Project 30x 0.00109; 1000 Genomes Project 0.00120.
gnomAD v4.1: 462 of 1,613,814 alleles (0.029%); highest among the groups gnomAD compares: East Asian, 0.35%; 3 homozygotes.

Submissions (2):

Labcorp Genetics (formerly Invitae), Labcorp
Classification: Benign. Last evaluated: 2025-12-17. Review status: criteria provided, single submitter. Criteria: Invitae Variant Classification Sherloc (09022015). Collection method: clinical testing. Allele origin: germline.

PreventionGenetics, part of Exact Sciences
Classification: Likely benign for DCHS1-related condition. Last evaluated: 2020-01-29. Review status: no assertion criteria provided. Collection method: clinical testing. Allele origin: germline. Not counted in ClinVar's aggregate classification.
Comment: This variant is classified as likely benign based on ACMG/AMP sequence variant interpretation guidelines (Richards et al. 2015 PMID: 25741868, with internal and published modifications).